The following is an entry in ClinVar:

ClinVar aggregate classification (germline): Uncertain significance (1 of 4 stars; one submission).

Conditions:
Immunodeficiency 28 (IMD28). Also called: IFNGR2 DEFICIENCY. Identifiers: Orphanet 319547, Orphanet 319574, MedGen C4013947, MONDO:0013953, OMIM 614889.

Allele frequency attached by ClinVar (database versions not stated): gnomAD exomes below 0.00001 and 0.00001; ExAC 0.00001; gnomAD 0.00001; TOPMed 0.00002.
gnomAD v4.1: 11 of 1,613,772 alleles (0.00068%); highest among the groups gnomAD compares: Non-Finnish European, 0.00085%; no homozygotes.

Submission:

Labcorp Genetics (formerly Invitae), Labcorp
Classification: Uncertain significance for Immunodeficiency 28. Last evaluated: 2022-06-13. Review status: criteria provided, single submitter. Criteria: Invitae Variant Classification Sherloc (09022015). Collection method: clinical testing. Allele origin: germline.
Comment: This sequence change replaces serine, which is neutral and polar, with leucine, which is neutral and non-polar, at codon 324 of the IFNGR2 protein (p.Ser324Leu). This variant is present in population databases (rs749163514, gnomAD 0.0009%). This variant has not been reported in the literature in individuals affected with IFNGR2-related conditions. Algorithms developed to predict the effect of missense changes on protein structure and function output the following: SIFT: "Tolerated"; PolyPhen-2: "Benign"; Align-GVGD: "Class C0". The leucine amino acid residue is found in multiple mammalian species, which suggests that this missense change does not adversely affect protein function. In summary, the available evidence is currently insufficient to determine the role of this variant in disease. Therefore, it has been classified as a Variant of Uncertain Significance.

NM_005534.4(IFNGR2):c.971C>T (p.Ser324Leu)

Genes: IFNGR2 (interferon gamma receptor 2; plus strand), TMEM50B (transmembrane protein 50B; minus strand). Cytogenetic location: 21q22.11.
Variant type: single nucleotide variant.
Coding change: c.971C>T on transcript NM_005534.4 (MANE Select); coding-DNA position 971, C replaced by T.
Protein change: p.Ser324Leu; replaces serine 324 with leucine.
Molecular consequence: missense variant.
Genome position (GRCh38, 1-based): chr21:33,436,919, C>T. VCF-style: chr21-33436919-C-T. GRCh37 (hg19) VCF-style: chr21-34809226-C-T.
Other names: c.1028C>T, p.Ser343Leu (NM_001329128.2); short protein forms S343L, S324L.
Identifiers: ClinVar variation 1476756 (VCV001476756.5), dbSNP rs749163514, ClinGen allele CA10007084.